The following is an entry in ClinVar:

NM_006269.2(RP1):c.2167G>T (p.Gly723Ter)

Gene: RP1 (RP1 axonemal microtubule associated; plus strand). Cytogenetic location: 8q12.1.
Variant type: single nucleotide variant.
Coding change: c.2167G>T on transcript NM_006269.2 (MANE Select); coding-DNA position 2167, G replaced by T.
Protein change: p.Gly723Ter; replaces glycine 723 with a stop codon.
Molecular consequence: nonsense. On other transcripts: intron variant (1).
Genome position (GRCh38, 1-based): chr8:54,626,049, G>T. VCF-style: chr8-54626049-G-T. GRCh37 (hg19) VCF-style: chr8-55538609-G-T.
Other names: c.787+3761G>T (NM_001375654.1); short protein forms G723*.
Identifiers: ClinVar variation 812400 (VCV000812400.14), dbSNP rs1585563283, ClinGen allele CA370992882.

ClinVar aggregate classification (germline): Pathogenic/Likely pathogenic. Review status: criteria provided, multiple submitters, no conflicts (2 of 4 stars). 5 submissions from 5 submitters: Pathogenic (3); Likely pathogenic (1). 1 of the submissions does not count toward it. Last evaluated 2026-01-18.

Conditions:
Retinitis pigmentosa (RP). Identifiers: Orphanet 791, MedGen C0035334, MeSH D012174, MONDO:0019200, OMIM 268000. Inheritance: Autosomal dominant, autosomal recessive and X linked inheritance.
RP1-related disorder. Also called: RP1-related condition.
Retinitis pigmentosa 1 (RP1). Identifiers: Orphanet 791, MedGen C0220701, MONDO:0008377, OMIM 180100.

Submissions (5):

Labcorp Genetics (formerly Invitae), Labcorp
Classification: Pathogenic. Last evaluated: 2026-01-18. Review status: criteria provided, single submitter. Criteria: Invitae Variant Classification Sherloc (09022015). Collection method: clinical testing. Allele origin: germline.
Comment: This sequence change creates a premature translational stop signal (p.Gly723*) in the RP1 gene. While this is not anticipated to result in nonsense mediated decay, it is expected to disrupt the last 1434 amino acid(s) of the RP1 protein. This variant is not present in population databases (gnomAD no frequency). This premature translational stop signal has been observed in individuals with autosomal dominant retinitis pigmentosa (PMID: 11139241, 31456290; internal data). ClinVar contains an entry for this variant (Variation ID: 812400). This variant disrupts the C-terminus of the RP1 protein. Many variants that disrupt this region have been reported in individuals with either autosomal dominant or autosomal recessive retinitis pigmentosa (PMID: 11527933, 19933189, 29425069, 30027431, 33681214). Therefore, variants that disrupt this region are expected to be disease-causing. For these reasons, this variant has been classified as Pathogenic.

Revvity Omics, Revvity
Classification: Pathogenic for Retinitis pigmentosa 1. Last evaluated: 2025-06-17. Review status: criteria provided, single submitter. Criteria: ACMG Guidelines, 2015. Collection method: clinical testing. Allele origin: germline.

Blueprint Genetics
Classification: Pathogenic for RP1-related disorders. Last evaluated: 2024-04-09. Review status: criteria provided, single submitter. Criteria: ACMG Guidelines, 2015. Collection method: clinical testing. Allele origin: germline. Affected: yes. Observed: 5 variant alleles.

GeneDx
Classification: Likely pathogenic. Last evaluated: 2022-06-03. Review status: criteria provided, single submitter. Criteria: GeneDx Variant Classification Process June 2021. Collection method: clinical testing. Allele origin: germline. Affected: yes.
Comment: Nonsense variant in the C-terminus predicted to result in protein truncation, as the last 1434 amino acids are lost, and other loss-of-function variants have been reported downstream in the Human Gene Mutation Database (HGMD); Not observed at significant frequency in large population cohorts (gnomAD); This variant is associated with the following publications: (PMID: 27307693, 22052604, 15180241, 31456290, 11527933, 11139241, 16799052, 23950152)

Sharon lab, Hadassah-Hebrew University Medical Center
Classification: Pathogenic for Retinitis pigmentosa. Last evaluated: 2019-06-23. Review status: no assertion criteria provided. Collection method: research. Allele origin: inherited. Affected: yes. Not counted in ClinVar's aggregate classification.

Literature cited by the submitters: PubMed 11139241 (cited by Labcorp Genetics (formerly Invitae), Labcorp); PubMed 31456290 (cited by Labcorp Genetics (formerly Invitae), Labcorp); PubMed 11527933 (cited by Labcorp Genetics (formerly Invitae), Labcorp); PubMed 19933189 (cited by Labcorp Genetics (formerly Invitae), Labcorp); PubMed 29425069 (cited by Labcorp Genetics (formerly Invitae), Labcorp); PubMed 30027431 (cited by Labcorp Genetics (formerly Invitae), Labcorp); PubMed 33681214 (cited by Labcorp Genetics (formerly Invitae), Labcorp).